The following is an entry in ClinVar:

NM_000059.4(BRCA2):c.7985C>A (p.Thr2662Lys)

Gene: BRCA2 (BRCA2 DNA repair associated; plus strand). Cytogenetic location: 13q13.1.
Variant type: single nucleotide variant.
Coding change: c.7985C>A on transcript NM_000059.4 (MANE Select); coding-DNA position 7985, C replaced by A.
Protein change: p.Thr2662Lys; replaces threonine 2662 with lysine.
Molecular consequence: missense variant.
Genome position (GRCh38, 1-based): chr13:32,363,187, C>A. VCF-style: chr13-32363187-C-A. GRCh37 (hg19) VCF-style: chr13-32937324-C-A.
Other names: 8213C>A; short protein forms T2662K.
Identifiers: ClinVar variation 96864 (VCV000096864.34), dbSNP rs431825362, ClinGen allele CA025382.

ClinVar aggregate classification (germline): Conflicting classifications of pathogenicity. Review status: criteria provided, conflicting classifications (1 of 4 stars). 13 submissions from 13 submitters: Uncertain significance (8); Likely benign (2). 3 of the submissions do not count toward it. Last evaluated 2025-12-09.

Conditions:
Malignant tumor of breast. Also called: Malignant breast neoplasm; Cancer breast. Identifiers: MedGen C0006142, MONDO:0007254. Disease mechanism: loss of function.
Breast-ovarian cancer, familial, susceptibility to, 2 (BROVCA2). Also called: BRCA2 Hereditary Breast and Ovarian Cancer. Identifiers: Orphanet 145, MedGen C2675520, MONDO:0012933, OMIM 612555. Disease mechanism: loss of function.
Breast-ovarian cancer, familial, susceptibility to, 1 (BROVCA1). Also called: BRCA1 Hereditary Breast and Ovarian Cancer; OVARIAN CANCER, SUSCEPTIBILITY TO. Identifiers: Orphanet 145, MedGen C2676676, MONDO:0011450, OMIM 604370. Disease mechanism: loss of function.
Hereditary cancer-predisposing syndrome. Also called: Hereditary Cancer Syndrome; Neoplastic Syndromes, Hereditary; Hereditary neoplastic syndrome; Tumor predisposition. Identifiers: Orphanet 140162, MedGen C0027672, MeSH D009386, MONDO:0015356.
Hereditary breast ovarian cancer syndrome. Also called: Hereditary breast and/or ovarian cancer syndrome; Hereditary breast and ovarian cancer syndrome; Hereditary breast and ovarian cancer; Hereditary breast and ovarian cancer syndrome (HBOC); Breast and ovarian cancer; BRCA1- and BRCA2-Associated Hereditary Breast and Ovarian Cancer. Identifiers: Orphanet 145, MedGen C0677776, MeSH D061325, MONDO:0003582. Disease mechanism: loss of function.

gnomAD v4.1: 27 of 1,612,860 alleles (0.0017%); highest among the groups gnomAD compares: Non-Finnish European, 0.0023%; no homozygotes.

Submissions 1 to 9 of 13:

Labcorp Genetics (formerly Invitae), Labcorp
Classification: Likely benign for Hereditary breast ovarian cancer syndrome. Last evaluated: 2025-12-09. Review status: criteria provided, single submitter. Criteria: Invitae Variant Classification Sherloc (09022015). Collection method: clinical testing. Allele origin: germline.

Quest Diagnostics Nichols Institute San Juan Capistrano
Classification: Uncertain significance. Last evaluated: 2025-05-22. Review status: criteria provided, single submitter. Criteria: Quest Diagnostics criteria. Collection method: clinical testing. Allele origin: unknown.
Comment: The BRCA2 c.7985C>A (p.Thr2662Lys) variant has been reported in the published literature in individuals with ovarian cancer (PMID: 22711857 (2012), 23633455 (2013)), colorectal cancer (PMID: 26845104 (2016), 34271781 (2021)), and head/neck carcinoma (PMID: 28678401 (2017)). A functional study demonstrated that this variant had inconclusive effects on protein function (PMID: 39779848 (2025)). The frequency of this variant in the general population (Genome Aggregation Database) is uninformative in the assessment of its pathogenicity. Analysis of this variant using bioinformatics tools for the prediction of the effect of amino acid changes on protein structure and function yielded conflicting predictions that this variant is deleterious or benign. Based on the available information, we are unable to determine the clinical significance of this variant.

Ambry Genetics
Classification: Likely benign for Hereditary cancer-predisposing syndrome. Last evaluated: 2025-05-01. Review status: criteria provided, single submitter. Criteria: Ambry Variant Classification Scheme 2023. Collection method: clinical testing. Allele origin: germline.

Molecular Pathology, Peter Maccallum Cancer Centre
Classification: Uncertain significance for Breast-ovarian cancer, familial, susceptibility to, 2. Last evaluated: 2025-01-21. Review status: criteria provided, single submitter. Criteria: ACMG Guidelines, 2015. Collection method: clinical testing. Allele origin: germline. Inheritance: Autosomal dominant inheritance.

Color Diagnostics, LLC DBA Color Health
Classification: Uncertain significance for Hereditary cancer-predisposing syndrome. Last evaluated: 2024-12-17. Review status: criteria provided, single submitter. Criteria: ACMG Guidelines, 2015. Collection method: clinical testing. Allele origin: germline.
Comment: This missense variant replaces threonine with lysine at codon 2662 of the BRCA2 protein. Computational prediction suggests that this variant may not impact protein structure and function. Splice site prediction tools suggest that this variant may not impact RNA splicing (PMID: 30661751, 35449021). An RNA study has shown that the variant results in exon 18 skipping (PMID: 26845104). However, the impact on RNA splicing may be partial and the clinical relevance of this observation is not known. This variant has been reported in individuals affected with ovarian cancer (PMID: 22711857, 23633455) and colon cancer (PMID: 26845104). Multifactorial analyses have reported likelihood ratios (LR) reaching a combined LR = 1.2950345601875 based on personal and family history of three carriers and co-occurrence with a pathogenic variant (PMID: 31131967, 31853058). This variant has also been identified in 1/250098 chromosomes in the general population by the Genome Aggregation Database (gnomAD). The available evidence is insufficient to determine the role of this variant in disease conclusively. Therefore, this variant is classified as a Variant of Uncertain Significance.

All of Us Research Program, National Institutes of Health
Classification: Uncertain significance for Breast-ovarian cancer, familial, susceptibility to, 2. Last evaluated: 2023-12-15. Review status: criteria provided, single submitter. Criteria: ACMG Guidelines, 2015. Collection method: clinical testing. Allele origin: germline. Inheritance: Autosomal dominant inheritance. Observed: 5 variant alleles, 5 heterozygotes.
Comment: This missense variant replaces threonine with lysine at codon 2662 of the BRCA2 protein. Computational prediction suggests that this variant may not impact protein structure and function (internally defined REVEL score threshold <= 0.5, PMID: 27666373). Splice site prediction tools suggest that this variant may not impact RNA splicing. An RNA study has shown that the variant results in exon 18 skipping (PMID: 26845104). However, the impact on RNA splicing may be partial and the clinical relevance of this observation is not known. This variant has been reported in individuals affected with ovarian cancer (PMID: 22711857, 23633455) and colon cancer (PMID: 26845104), and a multifactorial analysis has reported co-occurrence and family history likelihood ratios for pathogenicity of 1.1022 and 0.566, respectively (PMID: 31131967). This variant has also been identified in 1/250098 chromosomes in the general population by the Genome Aggregation Database (gnomAD). The available evidence is insufficient to determine the role of this variant in disease conclusively. Therefore, this variant is classified as a Variant of Uncertain Significance.

This study involves interpretation of variants in research participants for the purpose of population health screening. Participant phenotype was not available at the time of variant classification. Additional details can be found in publication PMID: 35346344, PMCID: PMC8962531

Sema4
Classification: Uncertain significance for Hereditary cancer-predisposing syndrome. Last evaluated: 2021-11-27. Review status: criteria provided, single submitter. Criteria: Sema4 Curation Guidelines. Collection method: curation. Allele origin: germline.
Comment: The BRCA2 c.7985C>A (p.T2662K) variant has been reported in heterozygosity in at least three individuals with ovarian cancer, colorectal cancer, or head and neck squamous cell carcinoma (PMID: 22711857, 26845104, 28678401). In the individual with colorectal cancer, RNA studies showed skipping of exon 18, though the clinical significance of this finding is unclear (PMID: 26845104). In silico predictions of the variant's effect on protein function are inconclusive, and splicing tools predict the loss of exonic splice enhancer elements, though these predictions have not been experimentally validated. This variant was observed in 1/112954 chromosomes in the European (non-Finnish) population according to the Genome Aggregation Database (PMID: 32461654), and has been reported in ClinVar (Variation ID: 96864). The overall evidence is inconsistent with ACMG/AMP requirements for a classification of benign or pathogenic. In summary, the clinical significance of this variant is currently uncertain.

University of Washington Department of Laboratory Medicine, University of Washington
Classification: Uncertain significance for Breast-ovarian cancer, familial, susceptibility to, 1. Last evaluated: 2020-12-11. Review status: criteria provided, single submitter. Criteria: Shirts et al. (Genet Med 2016). Collection method: clinical testing. Allele origin: germline. Observed: 1 variant allele.
Comment: This variant is predicted to alter exonic splice enhancers. RT-PCR of RNA showed exon 18 skipping. Evidence from other variants that show partial skipping suggest a variable phenotype associated with exon skipping. Additional data is needed to determine the level of risk associated with this variant.

Women's Health and Genetics/Laboratory Corporation of America, LabCorp
Classification: Uncertain significance. Last evaluated: 2017-05-15. Review status: criteria provided, single submitter. Criteria: LabCorp Variant Classification Summary - May 2015. Collection method: clinical testing. Allele origin: germline.
Comment: Variant summary: The BRCA2 c.7985C>A (p.Thr2662Lys) variant involves the alteration of a conserved nucleotide. 3/5 in silico tools predict a damaging outcome for this variant. 5/5 splice prediction tools predict no significant impact on normal splicing sites. However, ESE finder predicts that this variant may affect multiple ESE binding sites. This prediction was confirmed by RT-PCR in patient's RNA showing skipping of exon 18 (Shirts_2015), which is predicted to lead to a frameshift change. This variant has been reported in one patient with ovarian cancer and one patient with colon cancer, without strong evidence for causality. This variant is absent in 118364 control chromosomes (ExAC). In addition, multiple clinical diagnostic laboratories/reputable databases classified this variant as uncertain significance except one clinical diagnostic laboratory classified this variant as pathogenic (University of Washington, Shirts_2015). Taken together, this variant is classified as a "Variant of Uncertain Significance - possibly pathogenic, until additional clinical data becomes available.